The following is an entry in ClinVar:

NM_001083962.2(TCF4):c.1299G>A (p.Leu433=)

Gene: TCF4 (transcription factor 4; minus strand). Cytogenetic location: 18q21.2.
Variant type: single nucleotide variant.
Coding change: c.1299G>A on transcript NM_001083962.2 (MANE Select); coding-DNA position 1299, G replaced by A.
Protein change: p.Leu433=; no amino-acid change (leucine 433 retained).
Molecular consequence: synonymous variant.
Genome position (GRCh38, 1-based): chr18:55,254,548, C>T on the plus strand (G>A on the coding strand, the complement: TCF4 is on the minus strand). VCF-style: chr18-55254548-C-T. GRCh37 (hg19) VCF-style: chr18-52921779-C-T.
Other names: p.L433L:CTG>CTA; c.1605G>A, p.Leu535= (NM_001243226.3); c.1227G>A, p.Leu409= (NM_001243227.2, NM_001306207.1, NM_001348217.1 and 5 more transcripts); c.1317G>A, p.Leu439= (NM_001243228.2); c.1290G>A, p.Leu430= (NM_001243230.2); c.1173G>A, p.Leu391= (NM_001243231.2, NM_001348211.2); c.1086G>A, p.Leu362= (NM_001243232.1, NM_001306208.1); c.909G>A, p.Leu303= (NM_001243233.2, NM_001330605.3, NM_001348212.2 and 1 more transcripts); and 7 more.
Identifiers: ClinVar variation 139407 (VCV000139407.47), dbSNP rs552340151, ClinGen allele CA293884.

ClinVar aggregate classification (germline): Benign/Likely benign. Review status: criteria provided, multiple submitters, no conflicts (2 of 4 stars). 8 submissions from 8 submitters: Benign (3); Likely benign (3). 2 of the submissions do not count toward it. Last evaluated 2025-04-19.

Conditions:
Inborn genetic diseases. Identifiers: MedGen C0950123, MeSH D030342.
Pitt-Hopkins syndrome (PTHS). Also called: ENCEPHALOPATHY, SEVERE EPILEPTIC, WITH AUTONOMIC DYSFUNCTION; MENTAL RETARDATION, SYNDROMAL, WITH INTERMITTENT HYPERVENTILATION. Identifiers: Orphanet 2896, MedGen C1970431, MONDO:0012589, OMIM 610954.

Allele frequency attached by ClinVar (database versions not stated): gnomAD below 0.00001 and 0.00011; TOPMed 0.00002; gnomAD exomes 0.00019 and 0.00036; ExAC 0.00043; 1000 Genomes Project 0.00080; 1000 Genomes Project 30x 0.00094.
gnomAD v4.1: 294 of 1,613,736 alleles (0.018%); highest among the groups gnomAD compares: South Asian, 0.31%; 5 homozygotes.

Submissions (8):

Labcorp Genetics (formerly Invitae), Labcorp
Classification: Benign for Pitt-Hopkins syndrome. Last evaluated: 2025-04-19. Review status: criteria provided, single submitter. Criteria: Invitae Variant Classification Sherloc (09022015). Collection method: clinical testing. Allele origin: germline.

Blueprint Genetics
Classification: Likely benign. Last evaluated: 2024-09-11. Review status: criteria provided, single submitter. Criteria: ACMG Guidelines, 2015. Collection method: clinical testing. Allele origin: germline.

CeGaT Center for Human Genetics Tuebingen
Classification: Likely benign. Last evaluated: 2023-05-01. Review status: criteria provided, single submitter. Criteria: CeGaT Center For Human Genetics Tuebingen Variant Classification Criteria Version 2. Collection method: clinical testing. Allele origin: germline. Affected: yes. Observed: 1 variant allele.
Comment: TCF4: BP4, BP7, BS1

Ambry Genetics
Classification: Likely benign for Inborn genetic diseases. Last evaluated: 2016-09-09. Review status: criteria provided, single submitter. Criteria: Ambry Variant Classification Scheme 2023. Collection method: clinical testing. Allele origin: germline.

Genetic Services Laboratory, University of Chicago
Classification: Benign. Last evaluated: 2016-01-08. Review status: criteria provided, single submitter. Criteria: ACMG Guidelines, 2015. Collection method: clinical testing. Allele origin: germline. Affected: no.

GeneDx
Classification: Benign. Last evaluated: 2014-02-28. Review status: criteria provided, single submitter. Criteria: GeneDx Variant Classification (06012015). Collection method: clinical testing. Allele origin: germline. Affected: yes.
Comment: This variant is considered likely benign or benign based on one or more of the following criteria: it is a conservative change, it occurs at a poorly conserved position in the protein, it is predicted to be benign by multiple in silico algorithms, and/or has population frequency not consistent with disease.

Clinical Genetics DNA and cytogenetics Diagnostics Lab, Erasmus MC, Erasmus Medical Center
Classification: Likely benign. Review status: no assertion criteria provided. Collection method: clinical testing. Allele origin: germline. Affected: yes. Study: VKGL Data-share Consensus. Not counted in ClinVar's aggregate classification.

Genome Diagnostics Laboratory, University Medical Center Utrecht
Classification: Likely benign. Review status: no assertion criteria provided. Collection method: clinical testing. Allele origin: germline. Affected: yes. Study: VKGL Data-share Consensus. Not counted in ClinVar's aggregate classification.